The following is an entry in ClinVar:

NM_024426.6(WT1):c.1448-10G>T

Gene: WT1 (WT1 transcription factor; minus strand). Cytogenetic location: 11p13.
Variant type: single nucleotide variant.
Coding change: c.1448-10G>T on transcript NM_024426.6 (MANE Select); 10 bases into the intron before coding-DNA position 1448, G replaced by T.
Molecular consequence: intron variant.
Genome position (GRCh38, 1-based): chr11:32,389,189, C>A on the plus strand (G>T on the coding strand, the complement: WT1 is on the minus strand). VCF-style: chr11-32389189-C-A. GRCh37 (hg19) VCF-style: chr11-32410735-C-A.
Other names: c.1274-10G>T (NM_001407050.1); c.1316-10G>T (NM_001407047.1); c.1307-10G>T (NM_001407048.1); c.1304-10G>T (NM_001407049.1); c.1388-10G>T (NM_000378.6); c.1397-10G>T (NM_001407045.1); c.1433-10G>T (NM_001407044.1); c.1355-10G>T (NM_001407046.1); and 5 more.
Identifiers: ClinVar variation 703215 (VCV000703215.59), dbSNP rs185744719, ClinGen allele CA598392466.

ClinVar aggregate classification (germline): Likely benign. Review status: criteria provided, multiple submitters, no conflicts (2 of 4 stars). 4 submissions from 4 submitters: Likely benign (3). 1 of the submissions does not count toward it. Last evaluated 2026-01-07.

Conditions:
Frasier syndrome. Identifiers: Orphanet 347, MedGen C0950122, MeSH D052159, MONDO:0007635, OMIM 136680.
Drash syndrome (DDS). Also called: WILMS TUMOR AND PSEUDO- OR TRUE HERMAPHRODITISM; NEPHROPATHY, WILMS TUMOR, AND GENITAL ANOMALIES. Identifiers: Orphanet 220, MedGen C0950121, MONDO:0008682, OMIM 194080.
Wilms tumor 1 (WT1). Also called: Wilms tumor, somatic. Identifiers: Orphanet 654, MedGen CN033288, MONDO:0008679, OMIM 194070.
11p partial monosomy syndrome (WAGR). Also called: WAGR Complex; CHROMOSOME 11p13 DELETION SYNDROME; WAGR syndrome; WAGR Spectrum Disorder. Identifiers: Orphanet 893, MedGen C0206115, MONDO:0008681, OMIM 194072.
WT1-related disorder. Also called: WT1-related disorders. Identifiers: MedGen CN377814.

Allele frequency attached by ClinVar (database versions not stated): TOPMed 0.00007.
gnomAD v4.1: 18 of 1,613,920 alleles (0.0011%); highest among the groups gnomAD compares: East Asian, 0.016%; no homozygotes.

Submissions (4):

Labcorp Genetics (formerly Invitae), Labcorp
Classification: Likely benign for Wilms tumor 1; Drash syndrome; 11p partial monosomy syndrome; Frasier syndrome. Last evaluated: 2026-01-07. Review status: criteria provided, single submitter. Criteria: Invitae Variant Classification Sherloc (09022015). Collection method: clinical testing. Allele origin: germline.

Color Diagnostics, LLC DBA Color Health
Classification: Likely benign for Wilms tumor 1. Last evaluated: 2023-08-17. Review status: criteria provided, single submitter. Criteria: ACMG Guidelines, 2015. Collection method: clinical testing. Allele origin: germline.

ARUP Laboratories, Molecular Genetics and Genomics, ARUP Laboratories
Classification: Likely benign. Last evaluated: 2020-08-27. Review status: criteria provided, single submitter. Criteria: ARUP Molecular Germline Variant Investigation Process. Collection method: clinical testing. Allele origin: germline.

PreventionGenetics, part of Exact Sciences
Classification: Likely benign for WT1-related condition. Last evaluated: 2023-01-26. Review status: no assertion criteria provided. Collection method: clinical testing. Allele origin: germline. Not counted in ClinVar's aggregate classification.
Comment: This variant is classified as likely benign based on ACMG/AMP sequence variant interpretation guidelines (Richards et al. 2015 PMID: 25741868, with internal and published modifications).